The following is an entry in ClinVar:

NM_001395413.1(POR):c.-14+10A>G

Genes: POR (cytochrome p450 oxidoreductase; plus strand), LOC129998680 (ATAC-STARR-seq lymphoblastoid silent region 18302; plus strand). Cytogenetic location: 7q11.23.
Variant type: single nucleotide variant.
Coding change: c.-14+10A>G on transcript NM_001395413.1 (MANE Select); 10 bases into the intron after 14 bases upstream of the start codon, A replaced by G.
Molecular consequence: intron variant. On other transcripts: 5 prime UTR variant (2).
Genome position (GRCh38, 1-based): chr7:75,915,189, A>G. VCF-style: chr7-75915189-A-G. GRCh37 (hg19) VCF-style: chr7-75544507-A-G.
Other names: c.-38A>G (NM_001382659.3); c.-491A>G (NM_001382662.3); c.-121+10A>G (NM_001367562.3); c.-487+10A>G (NM_001382658.3); c.-14+10A>G (NM_001382655.3); c.-113+10A>G (NM_001382657.2); c.-5+10A>G (NM_000941.2).
Identifiers: ClinVar variation 3352981 (VCV003352981.1).

ClinVar aggregate classification (germline): Likely benign (0 of 4 stars; one submission).

Conditions:
POR-related disorder. Also called: POR-related condition.

Submission:

PreventionGenetics, part of Exact Sciences
Classification: Likely benign for POR-related condition. Last evaluated: 2019-02-25. Review status: no assertion criteria provided. Collection method: clinical testing. Allele origin: germline.
Comment: This variant is classified as likely benign based on ACMG/AMP sequence variant interpretation guidelines (Richards et al. 2015 PMID: 25741868, with internal and published modifications).